The following is an entry in ClinVar:

ClinVar aggregate classification (germline): Likely benign (0 of 4 stars; one submission).

Conditions:
ANKK1-related disorder. Also called: ANKK1-related condition.

Allele frequency attached by ClinVar (database versions not stated): 1000 Genomes Project 30x 0.00078; 1000 Genomes Project 0.00080; ESP Exome Variant Server 0.00081; ExAC 0.00085; gnomAD 0.00092; TOPMed 0.00096.
gnomAD v4.1: 2,632 of 1,613,430 alleles (0.16%); highest among the groups gnomAD compares: Non-Finnish European, 0.2%; 4 homozygotes.

Submission:

PreventionGenetics, part of Exact Sciences
Classification: Likely benign for ANKK1-related condition. Last evaluated: 2022-04-01. Review status: no assertion criteria provided. Collection method: clinical testing. Allele origin: germline.
Comment: This variant is classified as likely benign based on ACMG/AMP sequence variant interpretation guidelines (Richards et al. 2015 PMID: 25741868, with internal and published modifications).

NM_178510.2(ANKK1):c.2086G>A (p.Ala696Thr)

Gene: ANKK1 (ankyrin repeat and kinase domain containing 1; plus strand). Cytogenetic location: 11q23.2.
Variant type: single nucleotide variant.
Coding change: c.2086G>A on transcript NM_178510.2 (MANE Select); coding-DNA position 2086, G replaced by A.
Protein change: p.Ala696Thr; replaces alanine 696 with threonine.
Molecular consequence: missense variant.
Genome position (GRCh38, 1-based): chr11:113,400,055, G>A. VCF-style: chr11-113400055-G-A. GRCh37 (hg19) VCF-style: chr11-113270777-G-A.
Other names: short protein forms A696T.
Identifiers: ClinVar variation 3048242 (VCV003048242.2), dbSNP rs146480879, ClinGen allele CA6281085.
Genomic context (GRCh38, chr11:113,400,055, plus strand): 5'-ATCAACCTCCTAGAACATCACGCAAATGTCCACGCCCGCAACAAGGTGGGCTGGACACCC[G>A]CCCACCTGGCCGCCCTCAAGGGCAACACAGCCATCCTCAAAGTGCTGGTCGAGGCAGGCG-3'
Protein context (NP_848605.1, residues 686-706): HARNKVGWTP[Ala696Thr]HLAALKGNTA